The following is an entry in ClinVar:

NM_020964.3(EPG5):c.4346A>G (p.Tyr1449Cys)

Gene: EPG5 (ectopic P-granules 5 autophagy tethering factor; minus strand). Cytogenetic location: 18q21.1.
Variant type: single nucleotide variant.
Coding change: c.4346A>G on transcript NM_020964.3 (MANE Select); coding-DNA position 4346, A replaced by G.
Protein change: p.Tyr1449Cys; replaces tyrosine 1449 with cysteine.
Molecular consequence: missense variant.
Genome position (GRCh38, 1-based): chr18:45,904,101, T>C on the plus strand (A>G on the coding strand, the complement: EPG5 is on the minus strand). VCF-style: chr18-45904101-T-C. GRCh37 (hg19) VCF-style: chr18-43484066-T-C.
Other names: c.4346A>G, p.Tyr1449Cys (NM_001410858.1, NM_001410859.1); short protein forms Y1449C.
Identifiers: ClinVar variation 1979661 (VCV001979661.4), dbSNP rs778267082, ClinGen allele CA402338605.
Genomic context (GRCh38, chr18:45,904,101, plus strand): 5'-GCCTGTGTCCACAGACCAACAGTCTCCTGAAACTCATGATAGATGCGCTCCATGTTCAAA[T>C]ACTCCATCCACAGATCCTGAAACAGAACGACAGTACTTTAACTCTGACAGACAAGTCATA-3'
Protein context (NP_066015.2, residues 1439-1459): MQNQQDLWME[Tyr1449Cys]LNMERIYHEF

ClinVar aggregate classification (germline): Uncertain significance (1 of 4 stars; one submission).

Conditions:
Vici syndrome (VICIS). Identifiers: Orphanet 1493, MedGen C1855772, MONDO:0009452, OMIM 242840.

Allele frequency attached by ClinVar (database versions not stated): TOPMed 0.00001.
gnomAD v4.1: 2 of 1,611,778 alleles (0.00012%); highest among the groups gnomAD compares: African/African-American, 0.0027%; no homozygotes.

Submission:

Labcorp Genetics (formerly Invitae), Labcorp
Classification: Uncertain significance for Vici syndrome. Last evaluated: 2022-08-21. Review status: criteria provided, single submitter. Criteria: Invitae Variant Classification Sherloc (09022015). Collection method: clinical testing. Allele origin: germline.
Comment: Algorithms developed to predict the effect of missense changes on protein structure and function (SIFT, PolyPhen-2, Align-GVGD) all suggest that this variant is likely to be disruptive. This variant has not been reported in the literature in individuals affected with EPG5-related conditions. This variant is not present in population databases (gnomAD no frequency). This sequence change replaces tyrosine, which is neutral and polar, with cysteine, which is neutral and slightly polar, at codon 1449 of the EPG5 protein (p.Tyr1449Cys). In summary, the available evidence is currently insufficient to determine the role of this variant in disease. Therefore, it has been classified as a Variant of Uncertain Significance.